The following is an entry in ClinVar:

ClinVar aggregate classification (germline): Conflicting classifications of pathogenicity. Review status: criteria provided, conflicting classifications (1 of 4 stars). 12 submissions from 12 submitters: Pathogenic (1); Likely pathogenic (5); Uncertain significance (5). 1 of the submissions does not count toward it. Last evaluated 2026-09-17.

Conditions:
Cardiovascular phenotype. Identifiers: MedGen CN230736.
Cardiac arrhythmia. Also called: Arrhythmia; Cardiac rhythm disease. Identifiers: MedGen C0003811, MONDO:0007263, HP:0011675.
Familial long QT syndrome (RWS). Also called: Congenital long QT syndrome; Romano-Ward syndrome; VENTRICULAR FIBRILLATION WITH PROLONGED QT INTERVAL. Identifiers: Orphanet 768, MedGen C1141890, MONDO:0019171.
Long QT syndrome (LQTS). Identifiers: MedGen C0023976, MeSH D008133, MONDO:0002442. Disease mechanism: loss of function. Inheritance: Various modes of inheritance.
Long QT syndrome 1 (LQT1). Identifiers: Orphanet 101016, Orphanet 768, MedGen C4551647, MONDO:0100316, OMIM 192500, MONDO:0008646.

Allele frequency attached by ClinVar (database versions not stated): gnomAD 0.00003 and 0.00004; gnomAD exomes 0.00003 and 0.00002; ExAC 0.00002; TOPMed 0.00002.
gnomAD v4.1: 45 of 1,613,672 alleles (0.0028%); highest among the groups gnomAD compares: Non-Finnish European, 0.0036%; no homozygotes.

Submissions 1 to 8 of 12:

GeneDx
Classification: Likely pathogenic. Last evaluated: 2026-09-17. Review status: criteria provided, single submitter. Criteria: GeneDx Variant Classification Process June 2021. Collection method: clinical testing. Allele origin: germline.
Comment: Not observed at significant frequency in large population cohorts (gnomAD); In silico analysis suggests that this missense variant does not alter protein structure/function; This variant is associated with the following publications: (PMID: 15851171, 16414944, 34505893, 22581653, 24606995, 39486665, 38657442, 28749435, 29021305, 39347728, 28438721, 19632626, 22456477, 26423924, 26318259, 18822425, 24363352, 32893267, 31696929)

Labcorp Genetics (formerly Invitae), Labcorp
Classification: Pathogenic for Long QT syndrome. Last evaluated: 2025-10-22. Review status: criteria provided, single submitter. Criteria: Invitae Variant Classification Sherloc (09022015). Collection method: clinical testing. Allele origin: germline.
Comment: This sequence change replaces arginine, which is basic and polar, with histidine, which is basic and polar, at codon 583 of the KCNQ1 protein (p.Arg583His). This variant is present in population databases (rs199473482, gnomAD 0.003%). This missense change has been observed in individuals with clinical features of long QT syndrome (PMID: 15851171, 16414944, 24363352, 28749435, 34505893, 38657442; internal data). ClinVar contains an entry for this variant (Variation ID: 67053). Invitae Evidence Modeling of protein sequence and biophysical properties (such as structural, functional, and spatial information, amino acid conservation, physicochemical variation, residue mobility, and thermodynamic stability) has been performed for this missense variant. However, the output from this modeling did not meet the statistical confidence thresholds required to predict the impact of this variant on KCNQ1 protein function. Experimental studies are conflicting or provide insufficient evidence to determine the effect of this variant on KCNQ1 function (PMID: 28749435, 38657442). This variant disrupts the p.Arg583 amino acid residue in KCNQ1. Other variant(s) that disrupt this residue have been determined to be pathogenic (internal data). This suggests that this residue is clinically significant, and that variants that disrupt this residue are likely to be disease-causing. For these reasons, this variant has been classified as Pathogenic.

CeGaT Center for Human Genetics Tuebingen
Classification: Likely pathogenic. Last evaluated: 2025-02-01. Review status: criteria provided, single submitter. Criteria: CeGaT Center For Human Genetics Tuebingen Variant Classification Criteria Version 2. Collection method: clinical testing. Allele origin: germline. Affected: yes. Observed: 1 variant allele.
Comment: KCNQ1: PP1:Strong, PM1, PS4:Moderate

Blueprint Genetics
Classification: Uncertain significance. Last evaluated: 2024-09-12. Review status: criteria provided, single submitter. Criteria: ACMG Guidelines, 2015. Collection method: clinical testing. Allele origin: germline.

All of Us Research Program, National Institutes of Health
Classification: Uncertain significance for Long QT syndrome. Last evaluated: 2024-08-30. Review status: criteria provided, single submitter. Criteria: ACMG Guidelines, 2015. Collection method: clinical testing. Allele origin: germline. Inheritance: Autosomal dominant inheritance. Observed: 8 variant alleles, 8 heterozygotes.
Comment: This missense variant replaces arginine with histidine at codon 583 of the KCNQ1 protein. Computational prediction suggests that this variant may have deleterious impact on protein structure and function (internally defined REVEL score threshold >= 0.7, PMID: 27666373). A functional study has shown that this variant does not cause severe functional impairment in transfected cells (PMID: 28749435). This variant has been reported in at least 4 unrelated individuals affected with long QT syndrome (15851171, 16414944, 18822425, 22456477, 24363352, 2460699, 26318259, 28749435, 32893267), in an individual affected with sudden unexpected death and epilepsy (PMID: 26423924), and in an individual suspected of having epilepsy (PMID: 31696929). This variant has been identified in 5/282380 chromosomes in the general population by the Genome Aggregation Database (gnomAD). The available evidence is insufficient to determine the role of this variant in disease conclusively. Therefore, this variant is classified as a Variant of Uncertain Significance.

This study involves interpretation of variants in research participants for the purpose of population health screening. Participant phenotype was not available at the time of variant classification. Additional details can be found in publication PMID: 35346344, PMCID: PMC8962531

Women's Health and Genetics/Laboratory Corporation of America, LabCorp
Classification: Likely pathogenic for Cardiac arrhythmia. Last evaluated: 2024-08-29. Review status: criteria provided, single submitter. Criteria: LabCorp Variant Classification Summary - May 2015. Collection method: clinical testing. Allele origin: germline.
Comment: Variant summary: KCNQ1 c.1748G>A (p.Arg583His) results in a non-conservative amino acid change located in the Potassium channel, voltage dependent, KCNQ, C-terminal domain (IPR013821) of the encoded protein sequence. Three of five in-silico tools predict a damaging effect of the variant on protein function. The variant allele was found at a frequency of 1.6e-05 in 251018 control chromosomes. c.1748G>A has been reported in the literature in multiple individuals affected with Arrhythmia and in two families, this variant has been shown to segregate with disease (Kanters_2004, Li_2024). These data indicate that the variant is very likely to be associated with disease. Two publications report experimental evidence evaluating an impact on protein function. While one experiment study shows that the variant results in impeded channel protein activation in the whole-cell patch-clamp assay and >70% reduction of forskolin-induced channel current (Li_2024), the other failed to find a signicifant effect of this variant on channel activity (Zullo_2017). The following publications have been ascertained in the context of this evaluation (PMID: 15851171, 38657442, 16414944, 34505893, 28749435). ClinVar contains an entry for this variant (Variation ID: 67053). Based on the evidence outlined above, the variant was classified as likely pathogenic.

KardioGenetik, Herz- und Diabeteszentrum NRW
Classification: Likely pathogenic for Long QT syndrome 1. Last evaluated: 2024-05-06. Review status: criteria provided, single submitter. Criteria: ACMG Guidelines, 2015. Collection method: clinical testing. Allele origin: unknown. Affected: yes. Observed: 1 variant allele.
Comment: PS4_moderate, PP3_moderate, PM1_supporting, PS3_supporting (based on PMID: 38657442)

Color Diagnostics, LLC DBA Color Health
Classification: Uncertain significance for Cardiac arrhythmia. Last evaluated: 2024-03-19. Review status: criteria provided, single submitter. Criteria: ACMG Guidelines, 2015. Collection method: clinical testing. Allele origin: germline.
Comment: This missense variant replaces arginine with histidine at codon 583 of the KCNQ1 protein. Computational prediction suggests that this variant may have deleterious impact on protein structure and function. A functional study has shown that this variant does not cause impair potassium channel function (PMID: 28749435). This variant has been reported in at least 4 unrelated individuals affected with long QT syndrome (PMID: 15851171, 16414944, 18822425, 22456477, 24363352, 2460699, 26318259, 28749435, 32893267), in an individual affected with sudden unexpected death and epilepsy (PMID: 26423924), and in an individual suspected of having epilepsy (PMID: 31696929). This variant has been identified in 5/282380 chromosomes in the general population by the Genome Aggregation Database (gnomAD). The available evidence is insufficient to determine the role of this variant in disease conclusively. Therefore, this variant is classified as a Variant of Uncertain Significance.

NM_000218.3(KCNQ1):c.1748G>A (p.Arg583His)

Gene: KCNQ1 (potassium voltage-gated channel subfamily Q member 1; plus strand). Cytogenetic location: 11p15.5.
Variant type: single nucleotide variant.
Coding change: c.1748G>A on transcript NM_000218.3 (MANE Select); coding-DNA position 1748, G replaced by A.
Protein change: p.Arg583His; replaces arginine 583 with histidine.
Molecular consequence: missense variant.
Genome position (GRCh38, 1-based): chr11:2,777,991, G>A. VCF-style: chr11-2777991-G-A. GRCh37 (hg19) VCF-style: chr11-2799221-G-A.
Other names: p.R583H:CGC>CAC; c.1748G>A (LRG_287t1); c.1652G>A, p.Arg551His (NM_001406836.1); c.1478G>A, p.Arg493His (NM_001406837.1); c.1208G>A, p.Arg403His (NM_001406838.1); c.260G>A, p.Arg87His (NM_001406839.1); c.1367G>A, p.Arg456His (NM_181798.2); short protein forms R583H, R456H, R403H, R493H, R551H, R87H.
Identifiers: ClinVar variation 67053 (VCV000067053.41), dbSNP rs199473482, ClinGen allele CA006304.